The following is an entry in ClinVar:

ClinVar aggregate classification (germline): Uncertain significance (1 of 4 stars; one submission).

Conditions:
Dyskeratosis congenita. Identifiers: Orphanet 1775, MedGen C0265965, MONDO:0015780.

Submission:

Ambry Genetics
Classification: Uncertain significance for Dyskeratosis congenita. Last evaluated: 2025-01-31. Review status: criteria provided, single submitter. Criteria: Ambry Variant Classification Scheme 2023. Collection method: clinical testing. Allele origin: germline.
Comment: The p.G963R variant (also known as c.2887G>C), located in coding exon 12 of the TERT gene, results from a G to C substitution at nucleotide position 2887. The glycine at codon 963 is replaced by arginine, an amino acid with dissimilar properties. This amino acid position is conserved. In addition, this alteration is predicted to be tolerated by in silico analysis. Based on the available evidence, the clinical significance of this variant remains unclear.

NM_198253.3(TERT):c.2887G>C (p.Gly963Arg)

Gene: TERT (telomerase reverse transcriptase; minus strand). Cytogenetic location: 5p15.33.
Variant type: single nucleotide variant.
Coding change: c.2887G>C on transcript NM_198253.3 (MANE Select); coding-DNA position 2887, G replaced by C.
Protein change: p.Gly963Arg; replaces glycine 963 with arginine.
Molecular consequence: missense variant. On other transcripts: non-coding transcript variant (2).
Genome position (GRCh38, 1-based): chr5:1,260,557, C>G on the plus strand (G>C on the coding strand, the complement: TERT is on the minus strand). VCF-style: chr5-1260557-C-G. GRCh37 (hg19) VCF-style: chr5-1260672-C-G.
Other names: c.2698G>C, p.Gly900Arg (NM_001193376.3); short protein forms G963R, G900R.
Identifiers: ClinVar variation 3805779 (VCV003805779.1).